The following is an entry in ClinVar:

ClinVar aggregate classification (germline): Likely benign (1 of 4 stars; one submission).

gnomAD v4.1: 28 of 1,610,406 alleles (0.0017%); highest among the groups gnomAD compares: South Asian, 0.019%; 1 homozygote.

Submission:

CeGaT Center for Human Genetics Tuebingen
Classification: Likely benign. Last evaluated: 2025-02-01. Review status: criteria provided, single submitter. Criteria: CeGaT Center For Human Genetics Tuebingen Variant Classification Criteria Version 2. Collection method: clinical testing. Allele origin: germline. Affected: yes. Observed: 1 variant allele.
Comment: AKNA: BP4

NM_001317950.2(AKNA):c.4228G>A (p.Glu1410Lys)

Gene: AKNA (AT-hook transcription factor; minus strand). Cytogenetic location: 9q32.
Variant type: single nucleotide variant.
Coding change: c.4228G>A on transcript NM_001317950.2 (MANE Select); coding-DNA position 4228, G replaced by A.
Protein change: p.Glu1410Lys; replaces glutamic acid 1410 with lysine.
Molecular consequence: missense variant.
Genome position (GRCh38, 1-based): chr9:114,337,146, C>T on the plus strand (G>A on the coding strand, the complement: AKNA is on the minus strand). VCF-style: chr9-114337146-C-T. GRCh37 (hg19) VCF-style: chr9-117099426-C-T.
Other names: c.3871G>A, p.Glu1291Lys (NM_001317952.1); c.4228G>A, p.Glu1410Lys (NM_030767.5); short protein forms E1291K, E1410K.
Identifiers: ClinVar variation 3771839 (VCV003771839.13).